The following is an entry in ClinVar:

NM_001009994.3(RIPPLY2):c.50G>C (p.Cys17Ser)

Genes: RIPPLY2 (ripply transcriptional repressor 2; plus strand), RIPPLY2-CYB5R4 (RIPPLY2-CYB5R4 readthrough; plus strand). Cytogenetic location: 6q14.2.
Variant type: single nucleotide variant.
Coding change: c.50G>C on transcript NM_001009994.3 (MANE Select); coding-DNA position 50, G replaced by C.
Protein change: p.Cys17Ser; replaces cysteine 17 with serine.
Molecular consequence: missense variant.
Genome position (GRCh38, 1-based): chr6:83,853,466, G>C. VCF-style: chr6-83853466-G-C. GRCh37 (hg19) VCF-style: chr6-84563185-G-C.
Other names: short protein forms C17S.
Identifiers: ClinVar variation 1428410 (VCV001428410.6), dbSNP rs1468250788, ClinGen allele CA365048935.

ClinVar aggregate classification (germline): Uncertain significance (1 of 4 stars; one submission).

Submission:

Labcorp Genetics (formerly Invitae), Labcorp
Classification: Uncertain significance. Last evaluated: 2021-09-21. Review status: criteria provided, single submitter. Criteria: Invitae Variant Classification Sherloc (09022015). Collection method: clinical testing. Allele origin: germline.
Comment: This sequence change replaces cysteine with serine at codon 17 of the RIPPLY2 protein (p.Cys17Ser). The cysteine residue is weakly conserved and there is a moderate physicochemical difference between cysteine and serine. The frequency data for this variant in the population databases is considered unreliable, as metrics indicate insufficient coverage at this position in the ExAC database. This variant has not been reported in the literature in individuals affected with RIPPLY2-related conditions. Algorithms developed to predict the effect of missense changes on protein structure and function output the following: SIFT: "Tolerated"; PolyPhen-2: "Not Available"; Align-GVGD: "Class C0". The serine amino acid residue is found in multiple mammalian species, which suggests that this missense change does not adversely affect protein function. In summary, the available evidence is currently insufficient to determine the role of this variant in disease. Therefore, it has been classified as a Variant of Uncertain Significance.